The following is an entry in ClinVar:

NM_001267550.2(TTN):c.65348A>G (p.His21783Arg)

Genes: TTN (titin; minus strand), TTN-AS1 (TTN antisense RNA 1; plus strand). Cytogenetic location: 2q31.2.
Variant type: single nucleotide variant.
Coding change: c.65348A>G on transcript NM_001267550.2 (MANE Select); coding-DNA position 65348, A replaced by G.
Protein change: p.His21783Arg; replaces histidine 21783 with arginine.
Molecular consequence: missense variant. On other transcripts: non-coding transcript variant (1).
Genome position (GRCh38, 1-based): chr2:178,583,834, T>C on the plus strand (A>G on the coding strand, the complement: TTN is on the minus strand). VCF-style: chr2-178583834-T-C. GRCh37 (hg19) VCF-style: chr2-179448561-T-C.
Other names: c.60425A>G, p.His20142Arg (NM_001256850.1); c.38153A>G, p.His12718Arg (NM_003319.4); c.57644A>G, p.His19215Arg (NM_133378.4); c.38528A>G, p.His12843Arg (NM_133432.3); c.38729A>G, p.His12910Arg (NM_133437.4); short protein forms H12718R, H12843R, H12910R, H19215R, H20142R, H21783R.
Identifiers: ClinVar variation 2412977 (VCV002412977.3), dbSNP rs1223104137, ClinGen allele CA349434376.
Genomic context (GRCh38, chr2:178,583,834, plus strand): 5'-TTATCACCAGGAAGTTTGCAAGCTTCTACGAAATAGCCAATAATTTTACTGCCTCCATCA[T>C]GCTTTGGACGAGCCCAGATCAGAGATACAGTACTCTTGGTGACATCAATAACCTCAGGTT-3'
Protein context (NP_001254479.2, residues 21773-21793): TVSLIWARPK[His21783Arg]DGGSKIIGYF

ClinVar aggregate classification (germline): Uncertain significance (1 of 4 stars; one submission).

Allele frequency attached by ClinVar (database versions not stated): gnomAD exomes below 0.00001; gnomAD 0.00001; TOPMed 0.00002.
gnomAD v4.1: 3 of 1,609,590 alleles (0.00019%); highest among the groups gnomAD compares: African/African-American, 0.0013%; no homozygotes.

Submission:

GeneDx
Classification: Uncertain significance. Last evaluated: 2022-07-26. Review status: criteria provided, single submitter. Criteria: GeneDx Variant Classification Process June 2021. Collection method: clinical testing. Allele origin: germline. Affected: yes.
Comment: Not observed at significant frequency in large population cohorts (gnomAD); Missense variant in a gene in which most reported pathogenic variants are truncating/loss of function; Has not been previously published as pathogenic or benign to our knowledge; This variant is associated with the following publications: (PMID: 23975875)